The following is an entry in ClinVar:

ClinVar aggregate classification (germline): Uncertain significance. Review status: criteria provided, multiple submitters, no conflicts (2 of 4 stars). 2 submissions from 2 submitters: Uncertain significance (2). Last evaluated 2026-09-23.

Conditions:
Kohlschutter-Tonz syndrome-like. Also called: DEN HOED-DE BOER-VOISIN SYNDROME. Identifiers: MedGen C5543202, MONDO:0030990, OMIM 619229.

Allele frequency attached by ClinVar (database versions not stated): gnomAD exomes below 0.00001.
gnomAD v4.1: 2 of 1,614,162 alleles (0.00012%); highest among the groups gnomAD compares: Non-Finnish European, 0.00017%; no homozygotes.

Submissions (2):

GeneDx
Classification: Uncertain significance. Last evaluated: 2026-09-23. Review status: criteria provided, single submitter. Criteria: GeneDx Variant Classification Process June 2021. Collection method: clinical testing. Allele origin: germline.
Comment: Not observed at significant frequency in large population cohorts (gnomAD); In silico analysis suggests that this missense variant does not alter protein structure/function; Has not been previously published as pathogenic or benign to our knowledge

OLLIN Analises Genomicas, OLLIN
Classification: Uncertain significance for Kohlschutter-Tonz syndrome-like. Last evaluated: 2026-08-06. Review status: criteria provided, single submitter. Criteria: ACMG Guidelines 2015 PMID 25741868. Collection method: clinical testing. Allele origin: germline. Inheritance: Autosomal dominant inheritance.
Comment: This missense variant, located in exon 7 (of 11), has been reported in ClinVar (accession VCV002663113.1) and in gnomAD with an allele frequency of 0.00012%. However, to our knowledge, it has not been reported in the scientific literature. In silico analysis predicts that this variant has a tolerated effect. This gene is constrained for missense variation. According to the currently available evidence, this variant has been classified as uncertain significance (PM2_P, PP2, BP4_M).

NM_002971.6(SATB1):c.1141G>A (p.Asp381Asn)

Gene: SATB1 (SATB homeobox 1; minus strand). Cytogenetic location: 3p24.3.
Variant type: single nucleotide variant.
Coding change: c.1141G>A on transcript NM_002971.6 (MANE Select); coding-DNA position 1141, G replaced by A.
Protein change: p.Asp381Asn; replaces aspartic acid 381 with asparagine.
Molecular consequence: missense variant.
Genome position (GRCh38, 1-based): chr3:18,394,527, C>T on the plus strand (G>A on the coding strand, the complement: SATB1 is on the minus strand). VCF-style: chr3-18394527-C-T. GRCh37 (hg19) VCF-style: chr3-18436019-C-T.
Other names: c.1141G>A, p.Asp381Asn (NM_001131010.4, NM_001195470.3, NM_001322871.2 and 4 more transcripts); c.925G>A, p.Asp309Asn (NM_001322876.2); short protein forms D309N, D381N.
Identifiers: ClinVar variation 2663113 (VCV002663113.3), dbSNP rs2470652189, ClinGen allele CA351855816.